The following is an entry in ClinVar:

ClinVar aggregate classification (germline): Conflicting classifications of pathogenicity. Review status: criteria provided, conflicting classifications (1 of 4 stars). 6 submissions from 6 submitters: Uncertain significance (5); Likely benign (1). Last evaluated 2026-02-11.

Conditions:
Tuberous sclerosis syndrome (TSC). Also called: Tuberous sclerosis; Tuberous Sclerosis Complex. Identifiers: Orphanet 805, MedGen C0041341, MONDO:0001734.
Hereditary cancer-predisposing syndrome. Also called: Hereditary Cancer Syndrome; Tumor predisposition; Neoplastic Syndromes, Hereditary; Hereditary neoplastic syndrome. Identifiers: Orphanet 140162, MedGen C0027672, MeSH D009386, MONDO:0015356.
Tuberous sclerosis 1 (TSC1). Identifiers: Orphanet 805, MedGen C1854465, MONDO:0008612, OMIM 191100.

Allele frequency attached by ClinVar (database versions not stated): gnomAD exomes below 0.00001; gnomAD 0.00001; TOPMed 0.00001.

Submissions (6):

St. Jude Molecular Pathology, St. Jude Children's Research Hospital
Classification: Uncertain significance for Tuberous sclerosis 1. Last evaluated: 2026-02-11. Review status: criteria provided, single submitter. Criteria: St. Jude Assertion Criteria 2020. Collection method: clinical testing. Allele origin: germline.
Comment: The TSC1 c.38T>C p.(Met13Thr) missense change has a maximum subpopulation frequency of 0.0029% in gnomAD v2.1.1. The in silico tool REVEL is inconclusive about a pathogenic or benign effect of this variant on protein function, and to our knowledge functional studies have not been performed. To our knowledge, this variant has not been reported in individuals with tuberous sclerosis complex. In summary, the evidence currently available is insufficient to determine the clinical significance of this variant. It has therefore been classified as of uncertain significance.

Ambry Genetics
Classification: Uncertain significance for Hereditary cancer-predisposing syndrome. Last evaluated: 2025-12-15. Review status: criteria provided, single submitter. Criteria: Ambry Variant Classification Scheme 2023. Collection method: clinical testing. Allele origin: germline.
Comment: The p.M13T variant (also known as c.38T>C), located in coding exon 1 of the TSC1 gene, results from a T to C substitution at nucleotide position 38. The methionine at codon 13 is replaced by threonine, an amino acid with similar properties. This amino acid position is not well conserved in available vertebrate species. In addition, the in silico prediction for this alteration is inconclusive. Since supporting evidence is limited at this time, the clinical significance of this alteration remains unclear.

Labcorp Genetics (formerly Invitae), Labcorp
Classification: Likely benign for Tuberous sclerosis 1. Last evaluated: 2025-09-24. Review status: criteria provided, single submitter. Criteria: Invitae Variant Classification Sherloc (09022015). Collection method: clinical testing. Allele origin: germline.

Quest Diagnostics Nichols Institute San Juan Capistrano
Classification: Uncertain significance. Last evaluated: 2024-10-03. Review status: criteria provided, single submitter. Criteria: Quest Diagnostics criteria. Collection method: clinical testing. Allele origin: unknown.
Comment: The TSC1 c.38T>C (p.Met13Thr) variant has not been reported in individuals with TSC1-related conditions in the published literature. The frequency of this variant in the general population, 0.000004 (1/251392 chromosomes (Genome Aggregation Database)), is uninformative in the assessment of its pathogenicity. Analysis of this variant using bioinformatics tools for the prediction of the effect of amino acid changes on protein structure and function yielded conflicting predictions that this variant is benign or damaging. Based on the available information, we are unable to determine the clinical significance of this variant.

All of Us Research Program, National Institutes of Health
Classification: Uncertain significance for Tuberous sclerosis syndrome. Last evaluated: 2023-11-30. Review status: criteria provided, single submitter. Criteria: ACMG Guidelines, 2015. Collection method: clinical testing. Allele origin: germline. Inheritance: Autosomal dominant inheritance. Observed: 1 variant allele, 1 heterozygote.
Comment: This missense variant replaces methionine with threonine at codon 13 of the TSC1 protein. Computational prediction is inconclusive regarding the impact of this variant on protein structure and function (internally defined REVEL score threshold 0.5 < inconclusive < 0.7, PMID: 27666373). To our knowledge, functional studies have not been reported for this variant. This variant has not been reported in individuals affected with hereditary cancer in the literature. This variant has been identified in 1/251392 chromosomes in the general population by the Genome Aggregation Database (gnomAD). The available evidence is insufficient to determine the role of this variant in disease conclusively. Therefore, this variant is classified as a Variant of Uncertain Significance.

This study involves interpretation of variants in research participants for the purpose of population health screening. Participant phenotype was not available at the time of variant classification. Additional details can be found in publication PMID: 35346344, PMCID: PMC8962531

Genome-Nilou Lab
Classification: Uncertain significance for Tuberous sclerosis 1. Last evaluated: 2021-11-07. Review status: criteria provided, single submitter. Criteria: ACMG Guidelines, 2015. Collection method: clinical testing. Allele origin: germline. Affected: no.

NM_000368.5(TSC1):c.38T>C (p.Met13Thr)

Gene: TSC1 (TSC complex subunit 1; minus strand). Cytogenetic location: 9q34.13.
Variant type: single nucleotide variant.
Coding change: c.38T>C on transcript NM_000368.5 (MANE Select); coding-DNA position 38, T replaced by C.
Protein change: p.Met13Thr; replaces methionine 13 with threonine.
Molecular consequence: missense variant. On other transcripts: 5 prime UTR variant (1).
Genome position (GRCh38, 1-based): chr9:132,928,835, A>G on the plus strand (T>C on the coding strand, the complement: TSC1 is on the minus strand). VCF-style: chr9-132928835-A-G. GRCh37 (hg19) VCF-style: chr9-135804222-A-G.
Other names: c.38T>C, p.Met13Thr (NM_001162426.2, NM_001162427.2); c.-222T>C (NM_001362177.2); short protein forms M13T.
Identifiers: ClinVar variation 824358 (VCV000824358.20), dbSNP rs1041071543, ClinGen allele CA200902500.